The following is an entry in ClinVar:

ClinVar aggregate classification (germline): Uncertain significance (1 of 4 stars; one submission).

gnomAD v4.1: 1 of 1,599,966 alleles (0.000063%); highest among the groups gnomAD compares: East Asian, 0.0022%; no homozygotes.

Submission:

GeneDx
Classification: Uncertain significance. Last evaluated: 2024-05-14. Review status: criteria provided, single submitter. Criteria: GeneDx Variant Classification Process June 2021. Collection method: clinical testing. Allele origin: germline. Affected: yes.
Comment: Not observed at significant frequency in large population cohorts (gnomAD); In silico analysis indicates that this missense variant does not alter protein structure/function; Has not been previously published as pathogenic or benign to our knowledge

NM_198576.4(AGRN):c.5209G>A (p.Ala1737Thr)

Gene: AGRN (agrin; plus strand). Cytogenetic location: 1p36.33.
Variant type: single nucleotide variant.
Coding change: c.5209G>A on transcript NM_198576.4 (MANE Select); coding-DNA position 5209, G replaced by A.
Protein change: p.Ala1737Thr; replaces alanine 1737 with threonine.
Molecular consequence: missense variant.
Genome position (GRCh38, 1-based): chr1:1,050,793, G>A. VCF-style: chr1-1050793-G-A. GRCh37 (hg19) VCF-style: chr1-986173-G-A.
Other names: c.5209G>A, p.Ala1737Thr (NM_001305275.2); c.4894G>A, p.Ala1632Thr (NM_001364727.2); short protein forms A1632T, A1737T.
Identifiers: ClinVar variation 3378291 (VCV003378291.1).